The following is an entry in ClinVar:

NM_001080442.3(SLC38A8):c.490_491del (p.Leu164fs)

Gene: SLC38A8 (solute carrier family 38 member 8; minus strand). Cytogenetic location: 16q23.3.
Variant type: Deletion.
Coding change: c.490_491del on transcript NM_001080442.3 (MANE Select); coding-DNA positions 490 to 491, 2 bases deleted (CT; older notation c.490_491delCT).
Protein change: p.Leu164fs; shifts the reading frame from leucine 164.
Molecular consequence: frameshift variant.
Genome position (GRCh38, 1-based): chr16:84,033,367-84,033,368, AG deleted on the plus strand (CT on the coding strand, the reverse complement: SLC38A8 is on the minus strand). VCF-style (leftmost placement, unchanged base first): chr16-84033366-CAG-C. GRCh37 (hg19) VCF-style: chr16-84066971-CAG-C.
Other names: c.490_491delCT (NM_001080442.2); short protein forms L164fs.
Identifiers: ClinVar variation 691946 (VCV000691946.5), dbSNP rs1597273765, ClinGen allele CA915949368.

ClinVar aggregate classification (germline): Pathogenic. Review status: criteria provided, single submitter (1 of 4 stars). 2 submissions from 2 submitters: Pathogenic (1). 1 of the submissions does not count toward it.

Conditions:
Foveal hypoplasia - optic nerve decussation defect - anterior segment dysgenesis syndrome. Also called: Foveal hypoplasia 2; FOVEAL HYPOPLASIA 2 WITH OR WITHOUT OPTIC NERVE MISROUTING AND/OR ANTERIOR SEGMENT DYSGENESIS; FOVEAL HYPOPLASIA 2 WITH OR WITHOUT MICROPHTHALMIA OR COLOBOMA; FOVEAL HYPOPLASIA 2 WITH OPTIC NERVE DECUSSATION DEFECTS AND ANTERIOR SEGMENT DYSGENESIS WITHOUT ALBINISM. Identifiers: Orphanet 397618, MedGen C3807873, MONDO:0012216, OMIM 609218.
Foveal hypoplasia. Also called: Hypoplasia of the fovea. Identifiers: MedGen C2673946, MONDO:0044203, HP:0007750.

Allele frequency attached by ClinVar (database versions not stated): gnomAD exomes below 0.00001.

Submissions (2):

Matlow's Ophthalmo-genetic Laboratory, Assaf Harofe Medical Center
Classification: Pathogenic for Foveal hypoplasia - optic nerve decussation defect - anterior segment dysgenesis syndrome. Review status: criteria provided, single submitter. Criteria: ACMG Guidelines, 2015. Collection method: clinical testing. Allele origin: paternal. Inheritance: Autosomal recessive inheritance. Affected: yes. Observed: 1 compound heterozygote.
Comment: Other variant allele NM_001080442.2: c.95T>G [p.I32S] (rs587777253).

Sharon lab, Hadassah-Hebrew University Medical Center
Classification: Pathogenic for foveal hypoplasia. Last evaluated: 2019-06-23. Review status: no assertion criteria provided. Collection method: research. Allele origin: inherited. Affected: yes. Not counted in ClinVar's aggregate classification.